The following is an entry in ClinVar:

ClinVar aggregate classification (germline): Conflicting classifications of pathogenicity. Review status: criteria provided, conflicting classifications (1 of 4 stars). 4 submissions from 4 submitters: Uncertain significance (1); Likely benign (2). 1 of the submissions does not count toward it. Last evaluated 2025-07-21.

Conditions:
TNNC1-related disorder. Also called: TNNC1-related condition.
Hypertrophic cardiomyopathy 13. Also called: TNNC1-Related Familial Hypertrophic Cardiomyopathy. Identifiers: MedGen C2750472, MONDO:0013195, OMIM 613243.
Dilated cardiomyopathy 1Z (CMD1Z). Identifiers: Orphanet 154, MedGen C2678475, MONDO:0012745, OMIM 611879.
Cardiovascular phenotype. Identifiers: MedGen CN230736.
Cardiomyopathy (CMYO). Also called: Cardiomyopathies. Identifiers: Orphanet 167848, MedGen C0878544, MONDO:0004994, HP:0001638. Inheritance: Various modes of inheritance.

Allele frequency attached by ClinVar (database versions not stated): gnomAD 0.00002 and 0.00006; TOPMed 0.00003; gnomAD exomes 0.00005 and 0.00006; ExAC 0.00011.
gnomAD v4.1: 86 of 1,613,960 alleles (0.0053%); highest among the groups gnomAD compares: South Asian, 0.044%; no homozygotes.

Submissions (4):

Labcorp Genetics (formerly Invitae), Labcorp
Classification: Likely benign for Hypertrophic cardiomyopathy 13; Dilated cardiomyopathy 1Z. Last evaluated: 2025-07-21. Review status: criteria provided, single submitter. Criteria: Invitae Variant Classification Sherloc (09022015). Collection method: clinical testing. Allele origin: germline.

Ambry Genetics
Classification: Likely benign for Cardiovascular phenotype. Last evaluated: 2020-03-10. Review status: criteria provided, single submitter. Criteria: Ambry Variant Classification Scheme 2023. Collection method: clinical testing. Allele origin: germline.

CHEO Genetics Diagnostic Laboratory, Children's Hospital of Eastern Ontario
Classification: Uncertain significance for Cardiomyopathy. Last evaluated: 2015-11-05. Review status: criteria provided, single submitter. Criteria: ACMG Guidelines, 2015. Collection method: clinical testing. Allele origin: germline. Study: Canadian Open Genetics Repository.

PreventionGenetics, part of Exact Sciences
Classification: Likely benign for TNNC1-related condition. Last evaluated: 2019-05-03. Review status: no assertion criteria provided. Collection method: clinical testing. Allele origin: germline. Not counted in ClinVar's aggregate classification.
Comment: This variant is classified as likely benign based on ACMG/AMP sequence variant interpretation guidelines (Richards et al. 2015 PMID: 25741868, with internal and published modifications).

NM_003280.3(TNNC1):c.216G>A (p.Val72=)

Gene: TNNC1 (troponin C1, slow skeletal and cardiac type; minus strand). Cytogenetic location: 3p21.1.
Variant type: single nucleotide variant.
Coding change: c.216G>A on transcript NM_003280.3 (MANE Select); coding-DNA position 216, G replaced by A.
Protein change: p.Val72=; no amino-acid change (valine 72 retained).
Molecular consequence: synonymous variant.
Genome position (GRCh38, 1-based): chr3:52,451,845, C>T on the plus strand (G>A on the coding strand, the complement: TNNC1 is on the minus strand). VCF-style: chr3-52451845-C-T. GRCh37 (hg19) VCF-style: chr3-52485861-C-T.
Other names: c.216G>A (LRG_378t1).
Identifiers: ClinVar variation 626721 (VCV000626721.13), dbSNP rs770331194, ClinGen allele CA2438549.